The following is an entry in ClinVar:

ClinVar aggregate classification (germline): Uncertain significance (1 of 4 stars; one submission).

Conditions:
Inborn genetic diseases. Identifiers: MedGen C0950123, MeSH D030342.

Submission:

Ambry Genetics
Classification: Uncertain significance for Inborn genetic diseases. Last evaluated: 2026-02-28. Review status: criteria provided, single submitter. Criteria: Ambry Variant Classification Scheme 2023. Collection method: clinical testing. Allele origin: germline.
Comment: The p.Q669P variant (also known as c.2006A>C), located in coding exon 14 of the ERCC6L2 gene, results from an A to C substitution at nucleotide position 2006. The glutamine at codon 669 is replaced by proline, an amino acid with similar properties. This amino acid position is conserved. In addition, this alteration is predicted to be deleterious by in silico analysis. Based on the available evidence, the clinical significance of this variant remains unclear.

NM_020207.7(ERCC6L2):c.2006A>C (p.Gln669Pro)

Gene: ERCC6L2 (ERCC excision repair 6 like 2; plus strand). Cytogenetic location: 9q22.32.
Variant type: single nucleotide variant.
Coding change: c.2006A>C on transcript NM_020207.7 (MANE Select); coding-DNA position 2006, A replaced by C.
Protein change: p.Gln669Pro; replaces glutamine 669 with proline.
Molecular consequence: missense variant. On other transcripts: non-coding transcript variant (1).
Genome position (GRCh38, 1-based): chr9:95,966,620, A>C. VCF-style: chr9-95966620-A-C. GRCh37 (hg19) VCF-style: chr9-98728902-A-C.
Other names: c.2006A>C, p.Gln669Pro (NM_001010895.4, NM_001375291.1, NM_001375292.1 and 2 more transcripts); short protein forms Q669P.
Identifiers: ClinVar variation 4827682 (VCV004827682.1).